The following is an entry in ClinVar:

NM_025074.7(FRAS1):c.325G>A (p.Ala109Thr)

Gene: FRAS1 (Fraser extracellular matrix complex subunit 1; plus strand). Cytogenetic location: 4q21.21.
Variant type: single nucleotide variant.
Coding change: c.325G>A on transcript NM_025074.7 (MANE Select); coding-DNA position 325, G replaced by A.
Protein change: p.Ala109Thr; replaces alanine 109 with threonine.
Molecular consequence: missense variant.
Genome position (GRCh38, 1-based): chr4:78,252,407, G>A. VCF-style: chr4-78252407-G-A. GRCh37 (hg19) VCF-style: chr4-79173561-G-A.
Other names: c.325G>A, p.Ala109Thr (NM_001166133.2); short protein forms A109T.
Identifiers: ClinVar variation 1950929 (VCV001950929.5), dbSNP rs1367904678, ClinGen allele CA357351998.

ClinVar aggregate classification (germline): Uncertain significance (1 of 4 stars; one submission).

Allele frequency attached by ClinVar (database versions not stated): gnomAD exomes 0.00001.
gnomAD v4.1: 7 of 1,613,588 alleles (0.00043%); highest among the groups gnomAD compares: African/African-American, 0.0013%; no homozygotes.

Submission:

Labcorp Genetics (formerly Invitae), Labcorp
Classification: Uncertain significance. Last evaluated: 2022-06-28. Review status: criteria provided, single submitter. Criteria: Invitae Variant Classification Sherloc (09022015). Collection method: clinical testing. Allele origin: germline.
Comment: In summary, the available evidence is currently insufficient to determine the role of this variant in disease. Therefore, it has been classified as a Variant of Uncertain Significance. Algorithms developed to predict the effect of missense changes on protein structure and function output the following: SIFT: "Deleterious"; PolyPhen-2: "Benign"; Align-GVGD: "Class C0". The threonine amino acid residue is found in multiple mammalian species, which suggests that this missense change does not adversely affect protein function. This variant has not been reported in the literature in individuals affected with FRAS1-related conditions. This variant is present in population databases (no rsID available, gnomAD 0.0009%). This sequence change replaces alanine, which is neutral and non-polar, with threonine, which is neutral and polar, at codon 109 of the FRAS1 protein (p.Ala109Thr).